The following is an entry in ClinVar:

NM_053025.4(MYLK):c.2371del (p.Gln791fs)

Gene: MYLK (myosin light chain kinase; minus strand). Cytogenetic location: 3q21.1.
Variant type: Deletion.
Coding change: c.2371del on transcript NM_053025.4 (MANE Select); coding-DNA position 2371, one base deleted (C; older notation c.2371delC).
Protein change: p.Gln791fs; shifts the reading frame from glutamine 791.
Molecular consequence: frameshift variant.
Genome position (GRCh38, 1-based): chr3:123,707,773, G deleted on the plus strand (C on the coding strand, the reverse complement: MYLK is on the minus strand); the first of 2 consecutive G bases (chr3:123,707,773-123,707,774); deleting either gives the same sequence. VCF-style (leftmost placement, unchanged base first): chr3-123707772-TG-T. GRCh37 (hg19) VCF-style: chr3-123426619-TG-T.
Other names: c.1843del, p.Gln615fs (NM_001321309.2); c.2164del, p.Gln722fs (NM_053026.4, NM_053028.4); c.2371del, p.Gln791fs (NM_053027.4); short protein forms Q791fs, Q615fs, Q722fs.
Identifiers: ClinVar variation 3728802 (VCV003728802.2).

ClinVar aggregate classification (germline): Uncertain significance (1 of 4 stars; one submission).

Conditions:
Aortic aneurysm, familial thoracic 7 (AAT7). Also called: AORTIC DISSECTION, FAMILIAL, WITH OR WITHOUT AORTIC ANEURYSM. Identifiers: MedGen C3151077, MONDO:0013418, OMIM 613780.

Submission:

Labcorp Genetics (formerly Invitae), Labcorp
Classification: Uncertain significance for Aortic aneurysm, familial thoracic 7. Last evaluated: 2024-08-31. Review status: criteria provided, single submitter. Criteria: Invitae Variant Classification Sherloc (09022015). Collection method: clinical testing. Allele origin: germline.
Comment: This sequence change creates a premature translational stop signal (p.Gln791Serfs*19) in the MYLK gene. This variant occurs in the long isoform of MYLK (PMID: 21055718). The current clinical and genetic evidence is not sufficient to establish whether loss-of-function variants in the long isoform of MYLK cause disease. This variant is not present in population databases (gnomAD no frequency). This variant has not been reported in the literature in individuals affected with MYLK-related conditions. In summary, the available evidence is currently insufficient to determine the role of this variant in disease. Therefore, it has been classified as a Variant of Uncertain Significance.

Literature cited by the submitters: PubMed 21055718.